The following is an entry in ClinVar:

NM_017852.5(NLRP2):c.325+3A>C

Gene: NLRP2 (NLR family pyrin domain containing 2; plus strand). Cytogenetic location: 19q13.42.
Variant type: single nucleotide variant.
Coding change: c.325+3A>C on transcript NM_017852.5 (MANE Select); 3 bases into the intron after coding-DNA position 325, A replaced by C.
Molecular consequence: intron variant.
Genome position (GRCh38, 1-based): chr19:54,974,547, A>C. VCF-style: chr19-54974547-A-C. GRCh37 (hg19) VCF-style: chr19-55485915-A-C.
Other names: c.325+3A>C (NM_001174081.3, NM_001348003.2, NM_001174082.3); c.256+3A>C (NM_001174083.2).
Identifiers: ClinVar variation 103069 (VCV000103069.2), dbSNP rs199475710, ClinGen allele CA230068.

ClinVar aggregate classification (germline): not provided (0 of 4 stars; one submission).

Allele frequency attached by ClinVar (database versions not stated): gnomAD 0.00001.
gnomAD v4.1: 1 of 1,577,212 alleles (0.000063%); highest among the groups gnomAD compares: East Asian, 0.0022%; no homozygotes.

Submission:

Human Evolutionary Genetics, Institut Pasteur
No classification provided. Review status: no classification provided. Collection method: not provided. Allele origin: germline.
ClinVar note: Converted during submission from untested to not provided.